The following is an entry in ClinVar:

NM_017514.5(PLXNA3):c.744G>A (p.Thr248=)

Gene: PLXNA3 (plexin A3; plus strand). Cytogenetic location: Xq28.
Variant type: single nucleotide variant.
Coding change: c.744G>A on transcript NM_017514.5 (MANE Select); coding-DNA position 744, G replaced by A.
Protein change: p.Thr248=; no amino-acid change (threonine 248 retained).
Molecular consequence: synonymous variant.
Genome position (GRCh38, 1-based): chrX:154,461,248, G>A. VCF-style: chrX-154461248-G-A. GRCh37 (hg19) VCF-style: chrX-153689588-G-A.
Identifiers: ClinVar variation 789685 (VCV000789685.7), dbSNP rs142692328, ClinGen allele CA10563798.

ClinVar aggregate classification (germline): Benign. Review status: criteria provided, multiple submitters, no conflicts (2 of 4 stars). 3 submissions from 3 submitters: Benign (2). 1 of the submissions does not count toward it. Last evaluated 2019-12-31.

Conditions:
PLXNA3-related disorder. Also called: PLXNA3-related condition.

Allele frequency attached by ClinVar (database versions not stated): ESP Exome Variant Server 0.00028; gnomAD exomes 0.00173 and 0.00760; ExAC 0.00490; gnomAD 0.00505 and 0.00508; TOPMed 0.00921; 1000 Genomes Project 30x 0.00937; 1000 Genomes Project 0.00954.
gnomAD v4.1: 2,523 of 1,211,720 alleles (0.21%); highest among the groups gnomAD compares: Admixed American, 5%; 47 homozygotes.

Submissions (3):

Labcorp Genetics (formerly Invitae), Labcorp
Classification: Benign. Last evaluated: 2019-12-31. Review status: criteria provided, single submitter. Criteria: Invitae Variant Classification Sherloc (09022015). Collection method: clinical testing. Allele origin: germline.

Breakthrough Genomics
Classification: Benign. Review status: criteria provided, single submitter. Criteria: ACMG Guidelines, 2015. Collection method: not provided. Allele origin: germline. Inheritance: Unknown mechanism. Affected: yes.

PreventionGenetics, part of Exact Sciences
Classification: Benign for PLXNA3-related condition. Last evaluated: 2019-06-25. Review status: no assertion criteria provided. Collection method: clinical testing. Allele origin: germline. Not counted in ClinVar's aggregate classification.
Comment: This variant is classified as benign based on ACMG/AMP sequence variant interpretation guidelines (Richards et al. 2015 PMID: 25741868, with internal and published modifications).